The following is an entry in ClinVar:

ClinVar aggregate classification (germline): Uncertain significance. Review status: criteria provided, multiple submitters, no conflicts (2 of 4 stars). 5 submissions from 5 submitters: Uncertain significance (5). Last evaluated 2026-07-08.

Conditions:
Inborn genetic diseases. Identifiers: MedGen C0950123, MeSH D030342.
NPC1-related disorder. Also called: NPC1-related condition.
Niemann-Pick disease, type C1. Also called: NEUROVISCERAL STORAGE DISEASE WITH VERTICAL SUPRANUCLEAR OPHTHALMOPLEGIA; NIEMANN-PICK DISEASE WITH CHOLESTEROL ESTERIFICATION BLOCK; NIEMANN-PICK DISEASE WITHOUT SPHINGOMYELINASE DEFICIENCY; NIEMANN-PICK DISEASE, CHRONIC NEURONOPATHIC FORM; NIEMANN-PICK DISEASE, VARIANT TYPE C1. Identifiers: Orphanet 646, MedGen C3179455, MONDO:0009757, OMIM 257220.

Allele frequency attached by ClinVar (database versions not stated): gnomAD exomes below 0.00001 and 0.00002; gnomAD 0.00002; ExAC 0.00003; TOPMed 0.00004.
gnomAD v4.1: 22 of 1,614,056 alleles (0.0014%); highest among the groups gnomAD compares: East Asian, 0.018%; no homozygotes.

Submissions (5):

PreventionGenetics, part of Exact Sciences
Classification: Uncertain significance for NPC1-related condition. Last evaluated: 2026-07-08. Review status: criteria provided, single submitter. Criteria: ACMG Guidelines, 2015. Collection method: clinical testing. Allele origin: germline.
Comment: The NPC1 c.3794A>T variant is predicted to result in the amino acid substitution p.Glu1265Val. To our knowledge, this variant has not been reported in the literature. This variant is reported in 0.030% of alleles in individuals of East Asian descent in gnomAD. At this time, the clinical significance of this variant is uncertain due to the absence of conclusive functional and genetic evidence.

Blueprint Genetics
Classification: Uncertain significance. Last evaluated: 2024-10-28. Review status: criteria provided, single submitter. Criteria: ACMG Guidelines, 2015. Collection method: clinical testing. Allele origin: germline.

Labcorp Genetics (formerly Invitae), Labcorp
Classification: Uncertain significance for Niemann-Pick disease, type C1. Last evaluated: 2024-01-29. Review status: criteria provided, single submitter. Criteria: Invitae Variant Classification Sherloc (09022015). Collection method: clinical testing. Allele origin: germline.
Comment: This sequence change replaces glutamic acid, which is acidic and polar, with valine, which is neutral and non-polar, at codon 1265 of the NPC1 protein (p.Glu1265Val). This variant is present in population databases (rs751251790, gnomAD 0.03%). This variant has not been reported in the literature in individuals affected with NPC1-related conditions. ClinVar contains an entry for this variant (Variation ID: 291193). Advanced modeling of protein sequence and biophysical properties (such as structural, functional, and spatial information, amino acid conservation, physicochemical variation, residue mobility, and thermodynamic stability) performed at Invitae indicates that this missense variant is not expected to disrupt NPC1 protein function with a negative predictive value of 95%. In summary, the available evidence is currently insufficient to determine the role of this variant in disease. Therefore, it has been classified as a Variant of Uncertain Significance.

Ambry Genetics
Classification: Uncertain significance for Inborn genetic diseases. Last evaluated: 2023-07-30. Review status: criteria provided, single submitter. Criteria: Ambry Variant Classification Scheme 2023. Collection method: clinical testing. Allele origin: germline.

Eurofins Ntd Llc (ga)
Classification: Uncertain significance. Last evaluated: 2018-07-25. Review status: criteria provided, single submitter. Criteria: EGL ClinVar v180209 classification definitions. Collection method: clinical testing. Allele origin: germline. Observed: 3 variant alleles, 3 heterozygotes.

NM_000271.5(NPC1):c.3794A>T (p.Glu1265Val)

Gene: NPC1 (NPC intracellular cholesterol transporter 1; minus strand). Cytogenetic location: 18q11.2.
Variant type: single nucleotide variant.
Coding change: c.3794A>T on transcript NM_000271.5 (MANE Select); coding-DNA position 3794, A replaced by T.
Protein change: p.Glu1265Val; replaces glutamic acid 1265 with valine.
Molecular consequence: missense variant.
Genome position (GRCh38, 1-based): chr18:23,532,245, T>A on the plus strand (A>T on the coding strand, the complement: NPC1 is on the minus strand). VCF-style: chr18-23532245-T-A. GRCh37 (hg19) VCF-style: chr18-21112209-T-A.
Other names: c.3794A>T (NM_000271.4); short protein forms E1265V.
Identifiers: ClinVar variation 291193 (VCV000291193.11), dbSNP rs751251790, ClinGen allele CA8912639.